The following is an entry in ClinVar:

NM_000090.4(COL3A1):c.2092G>A (p.Ala698Thr)

Gene: COL3A1 (collagen type III alpha 1 chain; plus strand). Cytogenetic location: 2q32.2.
Variant type: single nucleotide variant.
Coding change: c.2092G>A on transcript NM_000090.4 (MANE Select); coding-DNA position 2092, G replaced by A.
Protein change: p.Ala698Thr; replaces alanine 698 with threonine.
Molecular consequence: missense variant.
Genome position (GRCh38, 1-based): chr2:188,999,354, G>A. VCF-style: chr2-188999354-G-A. GRCh37 (hg19) VCF-style: chr2-189864080-G-A.
Other names: A531T; p.A698T:GCT>ACT; short protein forms A698T.
Identifiers: ClinVar variation 17205 (VCV000017205.57), dbSNP rs1800255, ClinGen allele CA004987.

ClinVar aggregate classification (germline): Benign. Review status: criteria provided, multiple submitters, no conflicts (2 of 4 stars). 23 submissions from 22 submitters: Benign (18). 5 of the submissions do not count toward it. Last evaluated 2026-02-04.

Conditions:
Polymicrogyria with or without vascular-type Ehlers-Danlos syndrome. Identifiers: Orphanet 636941, MedGen C5193040, MONDO:0032688, OMIM 618343.
Ehlers-Danlos syndrome, type 4 (EDSVASC). Also called: Ehlers-Danlos syndrome vascular type; Ehlers Danlos syndrome, ecchymotic type; Ehlers Danlos syndrome, arterial type; Ehlers Danlos syndrome, Sack-Barabas type; Ehlers-Danlos Syndrome Type IV. Identifiers: Orphanet 286, MedGen C0268338, MONDO:0017314, OMIM 130050.
Ehlers-Danlos syndrome (EDS). Identifiers: Orphanet 98249, MedGen C0013720, MONDO:0020066.
Familial thoracic aortic aneurysm and aortic dissection (TAAD). Also called: Thoracic aortic aneurysms and dissections. Identifiers: Orphanet 91387, MedGen C4707243, MONDO:0019625.
COLLAGEN TYPE III POLYMORPHISM.

Allele frequency attached by ClinVar (database versions not stated): gnomAD 0.21636 and 0.21080; gnomAD exomes 0.24894 and 0.24910; TOPMed 0.20972; 1000 Genomes Project 30x 0.21752; 1000 Genomes Project 0.21845; ExAC 0.32041.
gnomAD v4.1: 392,959 of 1,598,508 alleles (25%); highest among the groups gnomAD compares: Middle Eastern, 33%; 49,266 homozygotes.

Submissions (23):

Labcorp Genetics (formerly Invitae), Labcorp
Classification: Benign for Ehlers-Danlos syndrome, type 4. Last evaluated: 2026-02-04. Review status: criteria provided, single submitter. Criteria: Invitae Variant Classification Sherloc (09022015). Collection method: clinical testing. Allele origin: germline.

ARUP Laboratories, Molecular Genetics and Genomics, ARUP Laboratories
Classification: Benign. Last evaluated: 2025-07-29. Review status: criteria provided, single submitter. Criteria: ARUP Molecular Germline Variant Investigation Process 2024. Collection method: clinical testing. Allele origin: germline.

Molecular Diagnostic Laboratory for Inherited Cardiovascular Disease, Montreal Heart Institute
Classification: Benign. Last evaluated: 2025-04-09. Review status: criteria provided, single submitter. Criteria: ACMG Guidelines, 2015. Collection method: clinical testing. Allele origin: germline. Affected: no.

Blueprint Genetics
Classification: Benign. Last evaluated: 2024-11-26. Review status: criteria provided, single submitter. Criteria: ACMG Guidelines, 2015. Collection method: clinical testing. Allele origin: germline.

All of Us Research Program, National Institutes of Health
Classification: Benign for Ehlers-Danlos syndrome, type 4. Last evaluated: 2024-10-02. Review status: criteria provided, single submitter. Criteria: ACMG Guidelines, 2015. Collection method: clinical testing. Allele origin: germline. Inheritance: Autosomal dominant inheritance. Observed: 61,179 variant alleles, 52,193 heterozygotes, 8,973 homozygotes, 13 hemizygotes.
Comment: This study involves interpretation of variants in research participants for the purpose of population health screening. Participant phenotype was not available at the time of variant classification. Additional details can be found in publication PMID: 35346344, PMCID: PMC8962531

Genome Diagnostics Laboratory, The Hospital for Sick Children
Classification: Benign for Ehlers-Danlos syndrome. Last evaluated: 2022-07-16. Review status: criteria provided, single submitter. Criteria: ACMG Guidelines, 2015. Collection method: clinical testing. Allele origin: germline.

Fulgent Genetics
Classification: Benign for Ehlers-Danlos syndrome, type 4; Polymicrogyria with or without vascular-type Ehlers-Danlos syndrome. Last evaluated: 2021-11-10. Review status: criteria provided, single submitter. Criteria: ACMG Guidelines, 2015. Collection method: clinical testing. Allele origin: unknown.

Genome-Nilou Lab
Classification: Benign for Ehlers-Danlos syndrome, type 4. Last evaluated: 2021-07-22. Review status: criteria provided, single submitter. Criteria: ACMG Guidelines, 2015. Collection method: clinical testing. Allele origin: germline. Affected: no.

Genome-Nilou Lab
Classification: Benign for Polymicrogyria with or without vascular-type Ehlers-Danlos syndrome. Last evaluated: 2021-07-22. Review status: criteria provided, single submitter. Criteria: ACMG Guidelines, 2015. Collection method: clinical testing. Allele origin: germline. Affected: no.

Color Diagnostics, LLC DBA Color Health
Classification: Benign for Familial thoracic aortic aneurysm and aortic dissection. Last evaluated: 2018-03-15. Review status: criteria provided, single submitter. Criteria: ACMG Guidelines, 2015. Collection method: clinical testing. Allele origin: germline.

Illumina Laboratory Services, Illumina
Classification: Benign for Ehlers-Danlos syndrome, type 4. Last evaluated: 2018-03-06. Review status: criteria provided, single submitter. Criteria: ICSL Variant Classification Criteria 13 December 2019. Collection method: clinical testing. Allele origin: germline.
Comment: This variant was observed in the ICSL laboratory as part of a predisposition screen in an ostensibly healthy population. It had not been previously curated by ICSL or reported in the Human Gene Mutation Database (HGMD: prior to June 1st, 2018), and was therefore a candidate for classification through an automated scoring system. Utilizing variant allele frequency, disease prevalence and penetrance estimates, and inheritance mode, an automated score was calculated to assess if this variant is too frequent to cause the disease. Based on the score and internal cut-off values, a variant classified as benign is not then subjected to further curation. The score for this variant resulted in a classification of benign for this disease.

Eurofins Ntd Llc (ga)
Classification: Benign. Last evaluated: 2014-12-18. Review status: criteria provided, single submitter. Criteria: EGL Classification Definitions 2015. Collection method: clinical testing. Allele origin: germline. Observed: 1 variant allele, 1 heterozygote.

Ambry Genetics
Classification: Benign for Familial thoracic aortic aneurysm and aortic dissection. Last evaluated: 2014-11-24. Review status: criteria provided, single submitter. Criteria: Ambry Variant Classification Scheme 2023. Collection method: clinical testing. Allele origin: germline.

Laboratory for Molecular Medicine, Mass General Brigham Personalized Medicine
Classification: Benign. Last evaluated: 2014-11-20. Review status: criteria provided, single submitter. Criteria: LMM Criteria. Collection method: clinical testing. Allele origin: germline. Observed: 9 variant alleles.
Comment: p.Ala698Thr in exon 30 of COL3A1: This variant is not expected to have clinical significance because it has been identified in 25% (2190/8600) of European Ameri can chromosomes and 13% (592/4406) of African American chromosomes by the NHLBI Exome Sequencing Project (dbSNP rs1800255).

Mayo Clinic Laboratories, Mayo Clinic
Classification: Benign. Last evaluated: 2014-02-13. Review status: criteria provided, single submitter. Criteria: ACMG Guidelines, 2015. Collection method: clinical testing. Allele origin: germline. Observed: 2,414 variant alleles.

GeneDx
Classification: Benign. Last evaluated: 2012-11-13. Review status: criteria provided, single submitter. Criteria: GeneDx Variant Classification (06012015). Collection method: clinical testing. Allele origin: germline. Affected: yes.
Comment: This variant is considered likely benign or benign based on one or more of the following criteria: it is a conservative change, it occurs at a poorly conserved position in the protein, it is predicted to be benign by multiple in silico algorithms, and/or has population frequency not consistent with disease.

Breakthrough Genomics
Classification: Benign. Review status: criteria provided, single submitter. Criteria: ACMG Guidelines, 2015. Collection method: not provided. Allele origin: germline. Inheritance: Autosomal recessive inheritance. Affected: yes.

PreventionGenetics, part of Exact Sciences
Classification: Benign. Review status: criteria provided, single submitter. Criteria: ACMG Guidelines, 2015. Collection method: clinical testing. Allele origin: germline.

Cohesion Phenomics
Classification: Benign for Ehlers-Danlos syndrome, type 4. Last evaluated: 2022-09-23. Review status: no assertion criteria provided. Criteria: ACMG Guidelines, 2015. Collection method: clinical testing. Allele origin: germline. Affected: yes. Not counted in ClinVar's aggregate classification.

OMIM
Classification: Benign for COLLAGEN TYPE III POLYMORPHISM. Last evaluated: 1990-10-25. Review status: no assertion criteria provided. Collection method: literature only. Allele origin: germline. Not counted in ClinVar's aggregate classification.

Clinical Genetics DNA and cytogenetics Diagnostics Lab, Erasmus MC, Erasmus Medical Center
Classification: Benign. Review status: no assertion criteria provided. Collection method: clinical testing. Allele origin: germline. Affected: yes. Study: VKGL Data-share Consensus. Not counted in ClinVar's aggregate classification.

Diagnostic Laboratory, Department of Genetics, University Medical Center Groningen
Classification: Benign. Review status: no assertion criteria provided. Collection method: clinical testing. Allele origin: germline. Affected: yes. Study: VKGL Data-share Consensus. Not counted in ClinVar's aggregate classification.

Genome Diagnostics Laboratory, Amsterdam University Medical Center
Classification: Benign. Review status: no assertion criteria provided. Collection method: clinical testing. Allele origin: germline. Affected: yes. Study: VKGL Data-share Consensus. Not counted in ClinVar's aggregate classification.

Literature cited by the submitters: PubMed 2235526 (cited by OMIM).